The following is an entry in ClinVar:

ClinVar aggregate classification (germline): Uncertain significance (1 of 4 stars; one submission).

Submission:

Labcorp Genetics (formerly Invitae), Labcorp
Classification: Uncertain significance. Last evaluated: 2024-04-10. Review status: criteria provided, single submitter. Criteria: Invitae Variant Classification Sherloc (09022015). Collection method: clinical testing. Allele origin: germline.
Comment: This variant, c.978_1049del, results in the deletion of 24 amino acid(s) of the CCDC8 protein (p.Asp326_Ala349del), but otherwise preserves the integrity of the reading frame. This variant is present in population databases (no rsID available, gnomAD 0.003%). This variant has not been reported in the literature in individuals affected with CCDC8-related conditions. ClinVar contains an entry for this variant (Variation ID: 2070453). Experimental studies and prediction algorithms are not available or were not evaluated, and the functional significance of this variant is currently unknown. In summary, the available evidence is currently insufficient to determine the role of this variant in disease. Therefore, it has been classified as a Variant of Uncertain Significance.

NM_032040.5(CCDC8):c.978_1049del (p.Asp326_Ala349del)

Gene: CCDC8 (coiled-coil domain containing 8; minus strand). Cytogenetic location: 19q13.32.
Variant type: Deletion.
Coding change: c.978_1049del on transcript NM_032040.5 (MANE Select); coding-DNA positions 978 to 1049, 72 bases deleted.
Protein change: p.Asp326_Ala349del.
Molecular consequence: inframe deletion.
Genome position (GRCh38, 1-based): chr19:46,411,762-46,411,833, 72 bases deleted. GRCh37 (hg19): chr19:46,915,046-46,915,117.
Identifiers: ClinVar variation 2070453 (VCV002070453.3), dbSNP rs1568589235, ClinGen allele CA9528552.